The following is an entry in ClinVar:

NM_000350.3(ABCA4):c.4532C>T (p.Pro1511Leu)

Gene: ABCA4 (ATP binding cassette subfamily A member 4; minus strand). Cytogenetic location: 1p22.1.
Variant type: single nucleotide variant.
Coding change: c.4532C>T on transcript NM_000350.3 (MANE Select); coding-DNA position 4532, C replaced by T.
Protein change: p.Pro1511Leu; replaces proline 1511 with leucine.
Molecular consequence: missense variant.
Genome position (GRCh38, 1-based): chr1:94,029,452, G>A on the plus strand (C>T on the coding strand, the complement: ABCA4 is on the minus strand). VCF-style: chr1-94029452-G-A. GRCh37 (hg19) VCF-style: chr1-94495008-G-A.
Other names: NM_000350.3(ABCA4):c.4532C>T; p.Pro1511Leu; c.4310C>T, p.Pro1437Leu (NM_001425324.1); short protein forms P1511L, P1437L.
Identifiers: ClinVar variation 298237 (VCV000298237.11), dbSNP rs886046564, ClinGen allele CA10611712.
Genomic context (GRCh38, chr1:94,029,452, plus strand): 5'-TAGTCCCTCTGTGGCAGGCAGACCTGGGGCCCCGTTGTTTGGAGGTCAGGTACCTGGGGG[G>A]GCGGGAGGCCCCCGGCACCCTCGGGGCACTCTGGCAGCATGGTGAGCTTCTCCCTGGTGC-3'
Protein context (NP_000341.2, residues 1501-1521): ECPEGAGGLP[Pro1511Leu]PQRTQRSTEI

ClinVar aggregate classification (germline): Uncertain significance. Review status: reviewed by expert panel (3 of 4 stars). 3 submissions from 3 submitters: Uncertain significance (1). 2 of the submissions do not count toward it. Last evaluated 2026-01-27.

Conditions:
ABCA4-related retinopathy. Also called: ABCA4 retinoapthy; ABCA4-related retinoapthy. Identifiers: MedGen CN322612, MONDO:0800406.
ABCA4-related disorder. Also called: ABCA4-related disorders; ABCA4-related condition. Identifiers: MedGen CN239167.

gnomAD v4.1: 1 of 1,551,794 alleles (0.000064%); highest among the groups gnomAD compares: Non-Finnish European, 0.000087%; no homozygotes.

Submissions (3):

ClinGen ABCA4 Variant Curation Expert Panel, Clingen
Classification: Uncertain significance for ABCA4-related retinopathy. Last evaluated: 2026-01-27. Review status: reviewed by expert panel. Criteria: ClinGen ABCA4 ACMG Specifications V1.0.0. Collection method: curation. Allele origin: germline. Inheritance: Autosomal recessive inheritance.
Comment: The NM_000350.3(ABCA4):c.4532C>T variant in ABCA4 is a missense variant predicted to cause substitution of proline by leucine at amino acid 1511; p.Pro1511Leu. The total minor allele frequency in gnomAD v4.1.0 is 6.444e-7 (1/1551794 alleles), which is lower than the ClinGen ABCA4 VCEP’s threshold for PM2_Supporting (<0.0001). The computational predictor REVEL gives a score of 0.733 which is in the range of 0.644-0.772, evidence that predicts a damaging effect on ABCA4 function (PP3). Another missense variant, c.4532C>A; p.Pro1511His in the same codon has been classified as likely pathogenic for ABCA4-related retinopathy by the ClinGen ABCA4 VCEP, and Splice AI revealed no expected effects on splicing (PM5_Supporting). In summary, this variant meets the criteria to be classified as uncertain significance due to insufficient evidence for ABCA4-related retinopathy based on the ACMG/AMP criteria applied, as specified by the ClinGen ABCA4 VCEP (Specification Version 1.0.0): PP3, PM2_Supporting, PM5_Supporting.

Labcorp Genetics (formerly Invitae), Labcorp
Classification: Likely pathogenic. Last evaluated: 2022-11-01. Review status: criteria provided, single submitter. Criteria: Invitae Variant Classification Sherloc (09022015). Collection method: clinical testing. Allele origin: germline. Not counted in ClinVar's aggregate classification.
Comment: This variant disrupts the p.Pro1511Arg amino acid residue in ABCA4. Other variant(s) that disrupt this residue have been determined to be pathogenic (PMID: 20647261, 24154662, 28559085; Invitae). This suggests that this residue is clinically significant, and that variants that disrupt this residue are likely to be disease-causing. Algorithms developed to predict the effect of missense changes on protein structure and function (SIFT, PolyPhen-2, Align-GVGD) all suggest that this variant is likely to be disruptive. ClinVar contains an entry for this variant (Variation ID: 298237). This variant has not been reported in the literature in individuals affected with ABCA4-related conditions. This variant is not present in population databases (gnomAD no frequency). This sequence change replaces proline, which is neutral and non-polar, with leucine, which is neutral and non-polar, at codon 1511 of the ABCA4 protein (p.Pro1511Leu). In summary, the currently available evidence indicates that the variant is pathogenic, but additional data are needed to prove that conclusively. Therefore, this variant has been classified as Likely Pathogenic.

Illumina Laboratory Services, Illumina
Classification: Uncertain significance for ABCA4-Related Disorders. Last evaluated: 2018-01-12. Review status: criteria provided, single submitter. Criteria: ICSL Variant Classification Criteria 13 December 2019. Collection method: clinical testing. Allele origin: germline. Not counted in ClinVar's aggregate classification.

Literature cited by the submitters: PubMed 20647261 (cited by Labcorp Genetics (formerly Invitae), Labcorp); PubMed 24154662 (cited by Labcorp Genetics (formerly Invitae), Labcorp); PubMed 28559085 (cited by Labcorp Genetics (formerly Invitae), Labcorp).